The following is an entry in ClinVar:

NM_001982.4(ERBB3):c.1551C>T (p.Cys517=)

Gene: ERBB3 (erb-b2 receptor tyrosine kinase 3; plus strand). Cytogenetic location: 12q13.2.
Variant type: single nucleotide variant.
Coding change: c.1551C>T on transcript NM_001982.4 (MANE Select); coding-DNA position 1551, C replaced by T.
Protein change: p.Cys517=; no amino-acid change (cysteine 517 retained).
Molecular consequence: synonymous variant.
Genome position (GRCh38, 1-based): chr12:56,093,834, C>T. VCF-style: chr12-56093834-C-T. GRCh37 (hg19) VCF-style: chr12-56487618-C-T.
Identifiers: ClinVar variation 3037895 (VCV003037895.3), dbSNP rs140670767, ClinGen allele CA6622316.

ClinVar aggregate classification (germline): Likely benign. Review status: criteria provided, single submitter (1 of 4 stars). 2 submissions from 2 submitters: Likely benign (1). 1 of the submissions does not count toward it. Last evaluated 2026-07-01.

Conditions:
ERBB3-related disorder. Also called: ERBB3-related condition.

Allele frequency attached by ClinVar (database versions not stated): ESP Exome Variant Server 0.00015; gnomAD 0.00014; TOPMed 0.00021; ExAC 0.00023; gnomAD exomes 0.00028.
gnomAD v4.1: 445 of 1,613,766 alleles (0.028%); highest among the groups gnomAD compares: Non-Finnish European, 0.032%; 1 homozygote.

Submissions (2):

Ambry Genetics
Classification: Likely benign. Last evaluated: 2026-07-01. Review status: criteria provided, single submitter. Criteria: Ambry Variant Classification Scheme 2023. Collection method: clinical testing. Allele origin: germline.

PreventionGenetics, part of Exact Sciences
Classification: Likely benign for ERBB3-related condition. Last evaluated: 2019-05-04. Review status: no assertion criteria provided. Collection method: clinical testing. Allele origin: germline. Not counted in ClinVar's aggregate classification.
Comment: This variant is classified as likely benign based on ACMG/AMP sequence variant interpretation guidelines (Richards et al. 2015 PMID: 25741868, with internal and published modifications).